The following is an entry in ClinVar:

ClinVar aggregate classification (germline): Uncertain significance (1 of 4 stars; one submission).

Conditions:
Niemann-Pick disease, type C1. Also called: NEUROVISCERAL STORAGE DISEASE WITH VERTICAL SUPRANUCLEAR OPHTHALMOPLEGIA; NIEMANN-PICK DISEASE WITH CHOLESTEROL ESTERIFICATION BLOCK; NIEMANN-PICK DISEASE WITHOUT SPHINGOMYELINASE DEFICIENCY; NIEMANN-PICK DISEASE, CHRONIC NEURONOPATHIC FORM; NIEMANN-PICK DISEASE, VARIANT TYPE C1. Identifiers: Orphanet 646, MedGen C3179455, MONDO:0009757, OMIM 257220.

gnomAD v4.1: 2 of 1,614,126 alleles (0.00012%); highest among the groups gnomAD compares: Non-Finnish European, 0.00017%; no homozygotes.

Submission:

Labcorp Genetics (formerly Invitae), Labcorp
Classification: Uncertain significance for Niemann-Pick disease, type C1. Last evaluated: 2024-11-19. Review status: criteria provided, single submitter. Criteria: Invitae Variant Classification Sherloc (09022015). Collection method: clinical testing. Allele origin: germline.
Comment: This sequence change replaces tyrosine, which is neutral and polar, with cysteine, which is neutral and slightly polar, at codon 1229 of the NPC1 protein (p.Tyr1229Cys). This variant is not present in population databases (gnomAD no frequency). This variant has not been reported in the literature in individuals affected with NPC1-related conditions. Invitae Evidence Modeling of protein sequence and biophysical properties (such as structural, functional, and spatial information, amino acid conservation, physicochemical variation, residue mobility, and thermodynamic stability) indicates that this missense variant is expected to disrupt NPC1 protein function with a positive predictive value of 95%. In summary, the available evidence is currently insufficient to determine the role of this variant in disease. Therefore, it has been classified as a Variant of Uncertain Significance.

NM_000271.5(NPC1):c.3686A>G (p.Tyr1229Cys)

Gene: NPC1 (NPC intracellular cholesterol transporter 1; minus strand). Cytogenetic location: 18q11.2.
Variant type: single nucleotide variant.
Coding change: c.3686A>G on transcript NM_000271.5 (MANE Select); coding-DNA position 3686, A replaced by G.
Protein change: p.Tyr1229Cys; replaces tyrosine 1229 with cysteine.
Molecular consequence: missense variant.
Genome position (GRCh38, 1-based): chr18:23,533,423, T>C on the plus strand (A>G on the coding strand, the complement: NPC1 is on the minus strand). VCF-style: chr18-23533423-T-C. GRCh37 (hg19) VCF-style: chr18-21113387-T-C.
Other names: short protein forms Y1229C.
Identifiers: ClinVar variation 3695930 (VCV003695930.2).